The following is an entry in ClinVar:

NM_005529.7(HSPG2):c.1585G>A (p.Val529Met)

Gene: HSPG2 (heparan sulfate proteoglycan 2; minus strand). Cytogenetic location: 1p36.12.
Variant type: single nucleotide variant.
Coding change: c.1585G>A on transcript NM_005529.7 (MANE Select); coding-DNA position 1585, G replaced by A.
Protein change: p.Val529Met; replaces valine 529 with methionine.
Molecular consequence: missense variant.
Genome position (GRCh38, 1-based): chr1:21,884,597, C>T on the plus strand (G>A on the coding strand, the complement: HSPG2 is on the minus strand). VCF-style: chr1-21884597-C-T. GRCh37 (hg19) VCF-style: chr1-22211090-C-T.
Other names: c.1585G>A (NM_005529.5); c.1588G>A, p.Val530Met (NM_001291860.2); short protein forms V529M, V530M.
Identifiers: ClinVar variation 585984 (VCV000585984.12), dbSNP rs150648539, ClinGen allele CA673382.
Genomic context (GRCh38, chr1:21,884,597, plus strand): 5'-CATCGGGTTGGTCAAAGCGCAGCCTGATCTGGTCCCGGAAGCGGCGGGTGCTCTGGCACA[C>T]GCTGGTGATGCCAAAGCAGAAGCAGGGCAGGCAGGCGGCGCTGTGCTCCAGGTAGAAGTG-3'
Protein context (NP_005520.4, residues 519-539): LPCFCFGITS[Val529Met]CQSTRRFRDQ

ClinVar aggregate classification (germline): Uncertain significance. Review status: criteria provided, multiple submitters, no conflicts (2 of 4 stars). 6 submissions from 6 submitters: Uncertain significance (6). Last evaluated 2024-02-17.

Conditions:
Lethal Kniest-like syndrome (DDSH). Also called: Dyssegmental Dysplasia. Identifiers: Orphanet 1865, MedGen C1857100, MONDO:0009140, OMIM 224410.
Schwartz-Jampel syndrome type 1 (SJS1). Also called: MYOTONIC MYOPATHY, DWARFISM, CHONDRODYSTROPHY, AND OCULAR AND FACIAL ABNORMALITIES; CHONDRODYSTROPHIC MYOTONIA. Identifiers: MedGen C4551479, MONDO:0100435, OMIM 255800.
Inborn genetic diseases. Identifiers: MedGen C0950123, MeSH D030342.

Allele frequency attached by ClinVar (database versions not stated): ExAC 0.00012; gnomAD 0.00029 and 0.00034; TOPMed 0.00036; ESP Exome Variant Server 0.00038.

Submissions (6):

Labcorp Genetics (formerly Invitae), Labcorp
Classification: Uncertain significance. Last evaluated: 2024-02-17. Review status: criteria provided, single submitter. Criteria: Invitae Variant Classification Sherloc (09022015). Collection method: clinical testing. Allele origin: germline.
Comment: This sequence change replaces valine, which is neutral and non-polar, with methionine, which is neutral and non-polar, at codon 529 of the HSPG2 protein (p.Val529Met). This variant is present in population databases (rs150648539, gnomAD 0.08%). This variant has not been reported in the literature in individuals affected with HSPG2-related conditions. ClinVar contains an entry for this variant (Variation ID: 585984). Algorithms developed to predict the effect of missense changes on protein structure and function output the following: SIFT: "Not Available"; PolyPhen-2: "Benign"; Align-GVGD: "Not Available". The methionine amino acid residue is found in multiple mammalian species, which suggests that this missense change does not adversely affect protein function. In summary, the available evidence is currently insufficient to determine the role of this variant in disease. Therefore, it has been classified as a Variant of Uncertain Significance.

Ambry Genetics
Classification: Uncertain significance for Inborn genetic diseases. Last evaluated: 2024-01-08. Review status: criteria provided, single submitter. Criteria: Ambry Variant Classification Scheme 2023. Collection method: clinical testing. Allele origin: germline.

Fulgent Genetics
Classification: Uncertain significance for Lethal Kniest-like syndrome; Schwartz-Jampel syndrome type 1. Last evaluated: 2021-12-11. Review status: criteria provided, single submitter. Criteria: ACMG Guidelines, 2015. Collection method: clinical testing. Allele origin: unknown.

Revvity Omics, Revvity
Classification: Uncertain significance. Last evaluated: 2019-09-03. Review status: criteria provided, single submitter. Criteria: ACMG Guidelines, 2015. Collection method: clinical testing. Allele origin: germline.

Athena Diagnostics
Classification: Uncertain significance. Last evaluated: 2018-03-07. Review status: criteria provided, single submitter. Criteria: Athena Diagnostics Criteria. Collection method: clinical testing. Allele origin: germline.

Breakthrough Genomics
Classification: Uncertain significance. Review status: criteria provided, single submitter. Criteria: ACMG Guidelines, 2015. Collection method: not provided. Allele origin: germline. Inheritance: Autosomal recessive inheritance. Affected: yes.